The following is an entry in ClinVar:

NM_012478.4(WBP2):c.487A>C (p.Met163Leu)

Gene: WBP2 (WW domain binding protein 2; minus strand). Cytogenetic location: 17q25.1.
Variant type: single nucleotide variant.
Coding change: c.487A>C on transcript NM_012478.4 (MANE Select); coding-DNA position 487, A replaced by C.
Protein change: p.Met163Leu; replaces methionine 163 with leucine.
Molecular consequence: missense variant. On other transcripts: intron variant (1).
Genome position (GRCh38, 1-based): chr17:75,847,841, T>G on the plus strand (A>C on the coding strand, the complement: WBP2 is on the minus strand). VCF-style: chr17-75847841-T-G. GRCh37 (hg19) VCF-style: chr17-73843922-T-G.
Other names: c.487A>C, p.Met163Leu (NM_001348170.1); c.398-232A>C (NM_001330499.2); short protein forms M163L.
Identifiers: ClinVar variation 437833 (VCV000437833.1), dbSNP rs1555604710, ClinGen allele CA401124346.
Genomic context (GRCh38, chr17:75,847,841, plus strand): 5'-AAAGGACACACTCACCAGGTGGGGGCGGTGGATAGGGGTAGCCAGGAGGGCAGGGGTACA[T>G]TCCATTGGCGACTGGCGGGGGATAGACATAGGCCCCGCTGGGCATGTAAGAGTAGCCATA-3'
Protein context (NP_036610.2, residues 153-173): YVYPPPVANG[Met163Leu]YPCPPGYPYP

ClinVar aggregate classification (germline): no classifications from unflagged records (0 of 4 stars; one submission).

Conditions:
Hearing loss, autosomal recessive 107. Also called: DEAFNESS, AUTOSOMAL RECESSIVE 107. Identifiers: MedGen C4539964, MONDO:0033199, OMIM 617639.

Submission:

OMIM
Classification: Pathogenic for DEAFNESS, AUTOSOMAL RECESSIVE 107. Last evaluated: 2017-08-24. Review status: flagged submission. Collection method: literature only. Allele origin: germline.
ClinVar note: Notes: Flagging candidate with reason of insufficient supporting evidence. This gene has been classified as having a limited gene-disease relationship by a ClinGen Expert Panel.
ClinVar note: Reason: Other

Literature cited by the submitters: PubMed 26881968.